The following is an entry in ClinVar:

ClinVar aggregate classification (germline): Uncertain significance (1 of 4 stars; one submission).

Conditions:
Hereditary cancer-predisposing syndrome. Also called: Neoplastic Syndromes, Hereditary; Tumor predisposition; Hereditary Cancer Syndrome; Hereditary neoplastic syndrome. Identifiers: Orphanet 140162, MedGen C0027672, MeSH D009386, MONDO:0015356.

Allele frequency attached by ClinVar (database versions not stated): gnomAD exomes below 0.00001.
gnomAD v4.1: 1 of 1,614,148 alleles (0.000062%); highest among the groups gnomAD compares: South Asian, 0.0011%; no homozygotes.

Submission:

Ambry Genetics
Classification: Uncertain significance for Hereditary cancer-predisposing syndrome. Last evaluated: 2022-09-19. Review status: criteria provided, single submitter. Criteria: Ambry Variant Classification Scheme 2023. Collection method: clinical testing. Allele origin: germline.
Comment: The p.I612T variant (also known as c.1835T>C), located in coding exon 12 of the CDH1 gene, results from a T to C substitution at nucleotide position 1835. The isoleucine at codon 612 is replaced by threonine, an amino acid with similar properties. This amino acid position is conserved. In addition, the in silico prediction for this alteration is inconclusive. Since supporting evidence is limited at this time, the clinical significance of this alteration remains unclear.

NM_004360.5(CDH1):c.1835T>C (p.Ile612Thr)

Gene: CDH1 (cadherin 1; plus strand). Cytogenetic location: 16q22.1.
Variant type: single nucleotide variant.
Coding change: c.1835T>C on transcript NM_004360.5 (MANE Select); coding-DNA position 1835, T replaced by C.
Protein change: p.Ile612Thr; replaces isoleucine 612 with threonine.
Molecular consequence: missense variant. On other transcripts: 5 prime UTR variant (1).
Genome position (GRCh38, 1-based): chr16:68,822,124, T>C. VCF-style: chr16-68822124-T-C. GRCh37 (hg19) VCF-style: chr16-68856027-T-C.
Other names: c.1652T>C, p.Ile551Thr (NM_001317184.2); c.287T>C, p.Ile96Thr (NM_001317185.2); c.-131T>C (NM_001317186.2); short protein forms I551T, I612T, I96T.
Identifiers: ClinVar variation 1781036 (VCV001781036.2), dbSNP rs2543942530, ClinGen allele CA396466921.